The following is an entry in ClinVar:

ClinVar aggregate classification (germline): Benign. Review status: criteria provided, multiple submitters, no conflicts (2 of 4 stars). 3 submissions from 3 submitters: Benign (3). Last evaluated 2026-02-01.

Allele frequency attached by ClinVar (database versions not stated): gnomAD exomes 0.00257 and 0.00696; ExAC 0.00849; gnomAD 0.02775 and 0.02983; 1000 Genomes Project 0.02855; TOPMed 0.03116; 1000 Genomes Project 30x 0.03217; ESP Exome Variant Server 0.03222.
gnomAD v4.1: 8,193 of 1,613,880 alleles (0.51%); highest among the groups gnomAD compares: African/African-American, 9.5%; 373 homozygotes.

Submissions (3):

Labcorp Genetics (formerly Invitae), Labcorp
Classification: Benign. Last evaluated: 2026-02-01. Review status: criteria provided, single submitter. Criteria: Invitae Variant Classification Sherloc (09022015). Collection method: clinical testing. Allele origin: germline.

Laboratory for Molecular Medicine, Mass General Brigham Personalized Medicine
Classification: Benign. Last evaluated: 2016-03-29. Review status: criteria provided, single submitter. Criteria: LMM Criteria. Collection method: clinical testing. Allele origin: germline.
Comment: Variant identified in a genome or exome case(s) and assessed due to predicted null impact of the variant or pathogenic assertions in the literature or databases. Disclaimer: This variant has not undergone full assessment. The following are preliminary notes: Frequency

Breakthrough Genomics
Classification: Benign. Review status: criteria provided, single submitter. Criteria: ACMG Guidelines, 2015. Collection method: not provided. Allele origin: germline. Inheritance: Autosomal recessive inheritance. Affected: yes.

NM_152327.5(AK7):c.1153A>G (p.Lys385Glu)

Gene: AK7 (adenylate kinase 7; plus strand). Cytogenetic location: 14q32.2.
Variant type: single nucleotide variant.
Coding change: c.1153A>G on transcript NM_152327.5 (MANE Select); coding-DNA position 1153, A replaced by G.
Protein change: p.Lys385Glu; replaces lysine 385 with glutamic acid.
Molecular consequence: missense variant.
Genome position (GRCh38, 1-based): chr14:96,456,401, A>G. VCF-style: chr14-96456401-A-G. GRCh37 (hg19) VCF-style: chr14-96922738-A-G.
Other names: c.1153A>G, p.Lys385Glu (NM_001350888.2, NM_001350890.2, NM_001350892.2); c.1075A>G, p.Lys359Glu (NM_001350891.2); short protein forms K385E, K359E.
Identifiers: ClinVar variation 402362 (VCV000402362.14), dbSNP rs74090310, ClinGen allele CA7337762.